The following is an entry in ClinVar:

NC_000003.12:g.169764835G>A

Genes: TERC (telomerase RNA component; minus strand), LOC110806306 (telomerase RNA component (TERC) promoter; plus strand). Cytogenetic location: 3q26.2.
Variant type: single nucleotide variant.
Genome position: GRCh38 VCF-style: chr3-169764835-G-A. GRCh37 (hg19) VCF-style: chr3-169482623-G-A.
Identifiers: ClinVar variation 534183 (VCV000534183.9), dbSNP rs1367910897, ClinGen allele CA436715355.

ClinVar aggregate classification (germline): Uncertain significance (1 of 4 stars; one submission).

Conditions:
Dyskeratosis congenita, autosomal dominant 1 (DKCA1). Also called: Dyskeratosis congenita Scoggins type. Identifiers: Orphanet 1775, MedGen C4551974, MONDO:0007485, OMIM 127550. Inheritance: Variable.

Allele frequency attached by ClinVar (database versions not stated): gnomAD exomes 0.00001.
gnomAD v4.1: 5 of 730,740 alleles (0.00068%); highest among the groups gnomAD compares: Admixed American, 0.0056%; no homozygotes.

Submission:

Labcorp Genetics (formerly Invitae), Labcorp
Classification: Uncertain significance for Dyskeratosis congenita, autosomal dominant 1. Last evaluated: 2025-11-11. Review status: criteria provided, single submitter. Criteria: Invitae Variant Classification Sherloc (09022015). Collection method: clinical testing. Allele origin: germline.
Comment: This variant occurs in the TERC gene, which encodes an RNA molecule that does not result in a protein product. This variant is present in population databases (no rsID available, gnomAD 0.004%). This variant has not been reported in the literature in individuals affected with TERC-related conditions. ClinVar contains an entry for this variant (Variation ID: 534183). This variant is located within the BoxH/ACA scaRNA domain of the TERC RNA component, which is required for telomerase activity (PMID: 21844345). In summary, the available evidence is currently insufficient to determine the role of this variant in disease. Therefore, it has been classified as a Variant of Uncertain Significance.

Literature cited by the submitters: PubMed 21844345.